The following is an entry in ClinVar:

NM_005869.4(CWC27):c.1006G>A (p.Glu336Lys)

Gene: CWC27 (CWC27 spliceosome associated cyclophilin; plus strand). Cytogenetic location: 5q12.3.
Variant type: single nucleotide variant.
Coding change: c.1006G>A on transcript NM_005869.4 (MANE Select); coding-DNA position 1006, G replaced by A.
Protein change: p.Glu336Lys; replaces glutamic acid 336 with lysine.
Molecular consequence: missense variant.
Genome position (GRCh38, 1-based): chr5:64,885,510, G>A. VCF-style: chr5-64885510-G-A. GRCh37 (hg19) VCF-style: chr5-64181337-G-A.
Other names: c.1006G>A, p.Glu336Lys (NM_001297644.1, NM_001364478.1); c.1006G>A (NM_005869.2, NM_005869.3); short protein forms E336K.
Identifiers: ClinVar variation 1035342 (VCV001035342.10), dbSNP rs371261961, ClinGen allele CA3282182.
Genomic context (GRCh38, chr5:64,885,510, plus strand): 5'-CTCAGAAAAGAAGCAAGACAATTAAAACGGGAACTCTTAGCAGCAAAACAAAAAAAAGTA[G>A]AAAATGCAGCAAAACAAGCAGAAAAAAGAAGTGAAGGTAAGGGCATTTATCACGCTTATT-3'
Protein context (NP_005860.2, residues 326-346): ELLAAKQKKV[Glu336Lys]NAAKQAEKRS

ClinVar aggregate classification (germline): Uncertain significance. Review status: criteria provided, multiple submitters, no conflicts (2 of 4 stars). 4 submissions from 4 submitters: Uncertain significance (4). Last evaluated 2025-05-21.

Conditions:
CWC27-related disorder. Also called: CWC27-related condition.
Metaphyseal chondrodysplasia-retinitis pigmentosa syndrome. Also called: Retinitis pigmentosa with or without skeletal anomalies. Identifiers: Orphanet 166035, MedGen C1855188, MONDO:0009598, OMIM 250410.
Inborn genetic diseases. Identifiers: MedGen C0950123, MeSH D030342.

Allele frequency attached by ClinVar (database versions not stated): gnomAD 0.00003; ESP Exome Variant Server 0.00008; TOPMed 0.00008; gnomAD exomes 0.00012; 1000 Genomes Project 30x 0.00016; 1000 Genomes Project 0.00020; ExAC 0.00027.
gnomAD v4.1: 255 of 1,606,346 alleles (0.016%); highest among the groups gnomAD compares: Non-Finnish European, 0.021%; 1 homozygote.

Submissions (5):

PreventionGenetics, part of Exact Sciences
Classification: Uncertain significance for CWC27-related condition. Last evaluated: 2025-05-21. Review status: criteria provided, single submitter. Criteria: ACMG Guidelines, 2015. Collection method: clinical testing. Allele origin: germline.
Comment: The CWC27 c.1006G>A variant is predicted to result in the amino acid substitution p.Glu336Lys. To our knowledge, this variant has not been reported in the literature. This variant is reported in 0.024% of alleles in individuals of European (Non-Finnish) descent in gnomAD. At this time, the clinical significance of this variant is uncertain due to the absence of conclusive functional and genetic evidence.

Ambry Genetics
Classification: Uncertain significance for Inborn genetic diseases. Last evaluated: 2025-04-03. Review status: criteria provided, single submitter. Criteria: Ambry Variant Classification Scheme 2023. Collection method: clinical testing. Allele origin: germline.

Labcorp Genetics (formerly Invitae), Labcorp
Classification: Uncertain significance. Last evaluated: 2025-01-06. Review status: criteria provided, single submitter. Criteria: Invitae Variant Classification Sherloc (09022015). Collection method: clinical testing. Allele origin: germline.
Comment: This sequence change replaces glutamic acid, which is acidic and polar, with lysine, which is basic and polar, at codon 336 of the CWC27 protein (p.Glu336Lys). The frequency data for this variant in the population databases is considered unreliable, as metrics indicate poor data quality at this position in the gnomAD database. This variant has not been reported in the literature in individuals affected with CWC27-related conditions. ClinVar contains an entry for this variant (Variation ID: 1035342). An algorithm developed to predict the effect of missense changes on protein structure and function (PolyPhen-2) suggests that this variant¬†is likely to be tolerated. In summary, the available evidence is currently insufficient to determine the role of this variant in disease. Therefore, it has been classified as a Variant of Uncertain Significance.

Department of Pathology and Laboratory Medicine, Sinai Health System
Classification: Uncertain significance for metaphyseal chondrodysplasia-retinitis pigmentosa syndrome. Last evaluated: 2022-08-02. Review status: criteria provided, single submitter. Criteria: ACMG Guidelines, 2015. Collection method: research. Allele origin: germline.

Dr. Peter K. Rogan Lab, Western University
No classification provided (evidence only). Condition: Acute myeloid leukemia. Review status: no classification provided. Collection method: in vitro. Allele origin: not applicable. Functional consequence: retained intron. Not counted in ClinVar's aggregate classification.